The following is an entry in ClinVar:

ClinVar aggregate classification (germline): Uncertain significance. Review status: criteria provided, multiple submitters, no conflicts (2 of 4 stars). 3 submissions from 3 submitters: Uncertain significance (3). Last evaluated 2025-12-29.

Conditions:
Hereditary cancer-predisposing syndrome. Also called: Hereditary neoplastic syndrome; Neoplastic Syndromes, Hereditary; Tumor predisposition; Hereditary Cancer Syndrome. Identifiers: Orphanet 140162, MedGen C0027672, MeSH D009386, MONDO:0015356.
Neuroblastoma, susceptibility to, 3. Also called: ALK-Related Neuroblastic Tumor Susceptibility. Identifiers: Orphanet 635, MedGen C2751681, MONDO:0013083, OMIM 613014.

Allele frequency attached by ClinVar (database versions not stated): TOPMed 0.00001; gnomAD exomes below 0.00001; ExAC 0.00001; gnomAD 0.00001.
gnomAD v4.1: 1 of 1,614,022 alleles (0.000062%); highest among the groups gnomAD compares: Non-Finnish European, 0.000085%; no homozygotes.

Submissions (3):

Labcorp Genetics (formerly Invitae), Labcorp
Classification: Uncertain significance for Neuroblastoma, susceptibility to, 3. Last evaluated: 2025-12-29. Review status: criteria provided, single submitter. Criteria: Invitae Variant Classification Sherloc (09022015). Collection method: clinical testing. Allele origin: germline.
Comment: This sequence change replaces valine, which is neutral and non-polar, with alanine, which is neutral and non-polar, at codon 827 of the ALK protein (p.Val827Ala). This variant is present in population databases (rs753584062, gnomAD 0.007%). This variant has not been reported in the literature in individuals affected with ALK-related conditions. ClinVar contains an entry for this variant (Variation ID: 470796). An algorithm developed to predict the effect of missense changes on protein structure and function (PolyPhen-2) suggests that this variant is likely to be disruptive. In summary, the available evidence is currently insufficient to determine the role of this variant in disease. Therefore, it has been classified as a Variant of Uncertain Significance.

Ambry Genetics
Classification: Uncertain significance for Hereditary cancer-predisposing syndrome. Last evaluated: 2025-04-02. Review status: criteria provided, single submitter. Criteria: Ambry Variant Classification Scheme 2023. Collection method: clinical testing. Allele origin: germline.
Comment: The p.V827A variant (also known as c.2480T>C), located in coding exon 14 of the ALK gene, results from a T to C substitution at nucleotide position 2480. The valine at codon 827 is replaced by alanine, an amino acid with similar properties. This amino acid position is not well conserved in available vertebrate species. In addition, this alteration is predicted to be tolerated by in silico analysis. Based on the available evidence, the clinical significance of this variant remains unclear.

Baylor Genetics
Classification: Uncertain significance for Neuroblastoma, susceptibility to, 3. Last evaluated: 2024-01-17. Review status: criteria provided, single submitter. Criteria: ACMG Guidelines, 2015. Collection method: clinical testing. Allele origin: unknown.

NM_004304.5(ALK):c.2480T>C (p.Val827Ala)

Gene: ALK (ALK receptor tyrosine kinase; minus strand). Cytogenetic location: 2p23.2.
Variant type: single nucleotide variant.
Coding change: c.2480T>C on transcript NM_004304.5 (MANE Select); coding-DNA position 2480, T replaced by C.
Protein change: p.Val827Ala; replaces valine 827 with alanine.
Molecular consequence: missense variant.
Genome position (GRCh38, 1-based): chr2:29,233,572, A>G on the plus strand (T>C on the coding strand, the complement: ALK is on the minus strand). VCF-style: chr2-29233572-A-G. GRCh37 (hg19) VCF-style: chr2-29456438-A-G.
Other names: short protein forms V827A.
Identifiers: ClinVar variation 470796 (VCV000470796.12), dbSNP rs753584062, ClinGen allele CA1594301.